The following is an entry in ClinVar:

ClinVar aggregate classification (germline): Conflicting classifications of pathogenicity. Review status: criteria provided, conflicting classifications (1 of 4 stars). 9 submissions from 9 submitters: Uncertain significance (3); Benign (1); Likely benign (5). Last evaluated 2026-08-27.

Conditions:
Acrocallosal syndrome (ACLS). Also called: HALLUX DUPLICATION, POSTAXIAL POLYDACTYLY, AND ABSENCE OF CORPUS CALLOSUM; Schinzel syndrome 1; Absence of corpus callosum with unusual facial appearance, mental deficiency, duplication of the halluces and polydactyly. Identifiers: Orphanet 36, MedGen C0796147, MONDO:0008708, OMIM 200990.
Hydrolethalus syndrome. Identifiers: Orphanet 2189, MedGen C2931104, MONDO:0006037.
Hydrolethalus syndrome 2 (HLS2). Identifiers: Orphanet 2189, MedGen C3279899, MONDO:0013585, OMIM 614120.
Multiple epiphyseal dysplasia, Al-Gazali type. Also called: Macrocephaly with multiple epiphyseal dysplasia and distinctive facies. Identifiers: Orphanet 166024, MedGen C1846722, MONDO:0011778, OMIM 607131.
KIF7-related disorder. Also called: KIF7-related condition.
Inborn genetic diseases. Identifiers: MedGen C0950123, MeSH D030342.

Allele frequency attached by ClinVar (database versions not stated): gnomAD 0.00007 and 0.00042; TOPMed 0.00010; 1000 Genomes Project 0.00020; gnomAD exomes 0.00033 and 0.00211; 1000 Genomes Project 30x 0.00219; ExAC 0.10417.
gnomAD v4.1: 395 of 1,132,710 alleles (0.035%); highest among the groups gnomAD compares: South Asian, 0.9%; 9 homozygotes.

Submissions (9):

PreventionGenetics, part of Exact Sciences
Classification: Likely benign for KIF7-related condition. Last evaluated: 2026-08-27. Review status: criteria provided, single submitter. Criteria: ACMG Guidelines, 2015. Collection method: clinical testing. Allele origin: germline.
Comment: This variant is classified as likely benign based on ACMG/AMP sequence variant interpretation guidelines (Richards et al. 2015 PMID: 25741868, with internal and published modifications).

Blueprint Genetics
Classification: Likely benign. Last evaluated: 2024-11-26. Review status: criteria provided, single submitter. Criteria: ACMG Guidelines, 2015. Collection method: clinical testing. Allele origin: germline.

CeGaT Center for Human Genetics Tuebingen
Classification: Likely benign. Last evaluated: 2024-11-01. Review status: criteria provided, single submitter. Criteria: CeGaT Center For Human Genetics Tuebingen Variant Classification Criteria Version 2. Collection method: clinical testing. Allele origin: germline. Affected: yes. Observed: 3 variant alleles.
Comment: KIF7: BS2

Labcorp Genetics (formerly Invitae), Labcorp
Classification: Uncertain significance for Acrocallosal syndrome. Last evaluated: 2022-10-24. Review status: criteria provided, single submitter. Criteria: Invitae Variant Classification Sherloc (09022015). Collection method: clinical testing. Allele origin: germline.
Comment: This sequence change replaces glycine, which is neutral and non-polar, with cysteine, which is neutral and slightly polar, at codon 393 of the KIF7 protein (p.Gly393Cys). The frequency data for this variant in the population databases is considered unreliable, as metrics indicate poor data quality at this position in the gnomAD database. This variant has not been reported in the literature in individuals affected with KIF7-related conditions. ClinVar contains an entry for this variant (Variation ID: 283923). Advanced modeling of protein sequence and biophysical properties (such as structural, functional, and spatial information, amino acid conservation, physicochemical variation, residue mobility, and thermodynamic stability) performed at Invitae indicates that this missense variant is not expected to disrupt KIF7 protein function. In summary, the available evidence is currently insufficient to determine the role of this variant in disease. Therefore, it has been classified as a Variant of Uncertain Significance.

Ambry Genetics
Classification: Likely benign for Inborn genetic diseases. Last evaluated: 2021-12-16. Review status: criteria provided, single submitter. Criteria: Ambry Variant Classification Scheme 2023. Collection method: clinical testing. Allele origin: germline.

GeneDx
Classification: Likely benign. Last evaluated: 2019-02-27. Review status: criteria provided, single submitter. Criteria: GeneDx Variant Classification Process June 2021. Collection method: clinical testing. Allele origin: germline. Affected: yes.

Fulgent Genetics
Classification: Uncertain significance for Acrocallosal syndrome; Multiple epiphyseal dysplasia, Al-Gazali type; Hydrolethalus syndrome 2. Last evaluated: 2018-10-31. Review status: criteria provided, single submitter. Criteria: ACMG Guidelines, 2015. Collection method: clinical testing. Allele origin: unknown.

Illumina Laboratory Services, Illumina
Classification: Benign for Acrocallosal syndrome. Last evaluated: 2018-01-13. Review status: criteria provided, single submitter. Criteria: ICSL Variant Classification Criteria 13 December 2019. Collection method: clinical testing. Allele origin: germline.
Comment: This variant was observed in the ICSL laboratory as part of a predisposition screen in an ostensibly healthy population. It had not been previously curated by ICSL or reported in the Human Gene Mutation Database (HGMD: prior to June 1st, 2018), and was therefore a candidate for classification through an automated scoring system. Utilizing variant allele frequency, disease prevalence and penetrance estimates, and inheritance mode, an automated score was calculated to assess if this variant is too frequent to cause the disease. Based on the score and internal cut-off values, a variant classified as benign is not then subjected to further curation. The score for this variant resulted in a classification of benign for this disease.

Eurofins Ntd Llc (ga)
Classification: Uncertain significance. Last evaluated: 2015-10-09. Review status: criteria provided, single submitter. Criteria: EGL Classification Definitions 2015. Collection method: clinical testing. Allele origin: germline. Observed: 2 variant alleles, 2 heterozygotes.

NM_198525.3(KIF7):c.1177G>T (p.Gly393Cys)

Gene: KIF7 (kinesin family member 7; minus strand). Cytogenetic location: 15q26.1.
Variant type: single nucleotide variant.
Coding change: c.1177G>T on transcript NM_198525.3 (MANE Select); coding-DNA position 1177, G replaced by T.
Protein change: p.Gly393Cys; replaces glycine 393 with cysteine.
Molecular consequence: missense variant.
Genome position (GRCh38, 1-based): chr15:89,648,521, C>A on the plus strand (G>T on the coding strand, the complement: KIF7 is on the minus strand). VCF-style: chr15-89648521-C-A. GRCh37 (hg19) VCF-style: chr15-90191752-C-A.
Other names: short protein forms G393C.
Identifiers: ClinVar variation 283923 (VCV000283923.41), dbSNP rs553968087, ClinGen allele CA7728582.